The following is an entry in ClinVar:

NM_001042413.2(GLIS3):c.2237G>A (p.Ser746Asn)

Gene: GLIS3 (GLIS family zinc finger 3; minus strand). Cytogenetic location: 9p24.2.
Variant type: single nucleotide variant.
Coding change: c.2237G>A on transcript NM_001042413.2 (MANE Select); coding-DNA position 2237, G replaced by A.
Protein change: p.Ser746Asn; replaces serine 746 with asparagine.
Molecular consequence: missense variant.
Genome position (GRCh38, 1-based): chr9:3,879,487, C>T on the plus strand (G>A on the coding strand, the complement: GLIS3 is on the minus strand). VCF-style: chr9-3879487-C-T. GRCh37 (hg19) VCF-style: chr9-3879487-C-T.
Other names: c.2237G>A, p.Ser746Asn (NM_001438906.1, NM_001438907.1, NM_001438908.1); c.1772G>A, p.Ser591Asn (NM_001438909.1, NM_152629.4); c.1571G>A, p.Ser524Asn (NM_001438911.1, NM_001438912.1); short protein forms S591N, S746N, S524N.
Identifiers: ClinVar variation 4997040 (VCV004997040.1).
Genomic context (GRCh38, chr9:3,879,487, plus strand): 5'-CTCTCAGCTCCTGCGTCCACAGCTGTGAGTGGAGGTAACTGGGAGGAGGGGTTGTGAGGG[C>T]TCCCCTGTACATTATGTCCTGGAGAAGGGTGACTGACAGGATGTGGGGGTGGTACGGCCC-3'
Protein context (NP_001035878.1, residues 736-756): HPSPGHNVQG[Ser746Asn]PHNPSSQLPP

ClinVar aggregate classification (germline): Uncertain significance (1 of 4 stars; one submission).

Conditions:
GLIS3-related disorder. Also called: GLIS3-related condition.

gnomAD v4.1: 2 of 1,614,062 alleles (0.00012%); highest among the groups gnomAD compares: Admixed American, 0.0017%; no homozygotes.

Submission:

PreventionGenetics, part of Exact Sciences
Classification: Uncertain significance for GLIS3-related condition. Last evaluated: 2026-08-05. Review status: criteria provided, single submitter. Criteria: ACMG Guidelines, 2015. Collection method: clinical testing. Allele origin: germline.
Comment: The GLIS3 c.2237G>A variant is predicted to result in the amino acid substitution p.Ser746Asn. To our knowledge, this variant has not been reported in the literature. This variant is reported in 0.0% of alleles in individuals of African descent in gnomAD. At this time, the clinical significance of this variant is uncertain due to the absence of conclusive functional and genetic evidence.